The following is an entry in ClinVar:

ClinVar aggregate classification (germline): Uncertain significance (1 of 4 stars; one submission).

Conditions:
Muscular dystrophy-dystroglycanopathy (congenital with brain and eye anomalies), type a, 8 (MDDGA8). Also called: WALKER-WARBURG SYNDROME OR MUSCLE-EYE-BRAIN DISEASE, GTDC2-RELATED. Identifiers: Orphanet 899, MedGen C3553813, MONDO:0013904, OMIM 614830.

gnomAD v4.1: 9 of 1,614,198 alleles (0.00056%); highest among the groups gnomAD compares: Admixed American, 0.0017%; no homozygotes.

Submission:

Labcorp Genetics (formerly Invitae), Labcorp
Classification: Uncertain significance for Muscular dystrophy-dystroglycanopathy (congenital with brain and eye anomalies), type a, 8. Last evaluated: 2024-10-18. Review status: criteria provided, single submitter. Criteria: Invitae Variant Classification Sherloc (09022015). Collection method: clinical testing. Allele origin: germline.
Comment: This sequence change replaces histidine, which is basic and polar, with aspartic acid, which is acidic and polar, at codon 544 of the POMGNT2 protein (p.His544Asp). This variant is not present in population databases (gnomAD no frequency). This variant has not been reported in the literature in individuals affected with POMGNT2-related conditions. ClinVar contains an entry for this variant (Variation ID: 1462561). Invitae Evidence Modeling of protein sequence and biophysical properties (such as structural, functional, and spatial information, amino acid conservation, physicochemical variation, residue mobility, and thermodynamic stability) indicates that this missense variant is not expected to disrupt POMGNT2 protein function with a negative predictive value of 80%. In summary, the available evidence is currently insufficient to determine the role of this variant in disease. Therefore, it has been classified as a Variant of Uncertain Significance.

NM_032806.6(POMGNT2):c.1630C>G (p.His544Asp)

Gene: POMGNT2 (protein O-linked mannose N-acetylglucosaminyltransferase 2 (beta 1,4-); minus strand). Cytogenetic location: 3p22.1.
Variant type: single nucleotide variant.
Coding change: c.1630C>G on transcript NM_032806.6 (MANE Select); coding-DNA position 1630, C replaced by G.
Protein change: p.His544Asp; replaces histidine 544 with aspartic acid.
Molecular consequence: missense variant.
Genome position (GRCh38, 1-based): chr3:43,079,802, G>C on the plus strand (C>G on the coding strand, the complement: POMGNT2 is on the minus strand). VCF-style: chr3-43079802-G-C. GRCh37 (hg19) VCF-style: chr3-43121294-G-C.
Other names: short protein forms H544D.
Identifiers: ClinVar variation 1462561 (VCV001462561.4), dbSNP rs2089829509, ClinGen allele CA352299545.